The following is an entry in ClinVar:

NM_006295.3(VARS1):c.2692G>A (p.Glu898Lys)

Gene: VARS1 (valyl-tRNA synthetase 1; minus strand). Cytogenetic location: 6p21.33.
Variant type: single nucleotide variant.
Coding change: c.2692G>A on transcript NM_006295.3 (MANE Select); coding-DNA position 2692, G replaced by A.
Protein change: p.Glu898Lys; replaces glutamic acid 898 with lysine.
Molecular consequence: missense variant.
Genome position (GRCh38, 1-based): chr6:31,780,896, C>T on the plus strand (G>A on the coding strand, the complement: VARS1 is on the minus strand). VCF-style: chr6-31780896-C-T. GRCh37 (hg19) VCF-style: chr6-31748673-C-T.
Other names: short protein forms E898K.
Identifiers: ClinVar variation 3393414 (VCV003393414.1).

ClinVar aggregate classification (germline): Uncertain significance (1 of 4 stars; one submission).

Conditions:
Neurodevelopmental disorder with microcephaly, seizures, and cortical atrophy. Identifiers: MedGen C4540493, MONDO:0060621, OMIM 617802.

gnomAD v4.1: 7 of 1,614,164 alleles (0.00043%); highest among the groups gnomAD compares: Admixed American, 0.005%; no homozygotes.

Submission:

Neuberg Centre For Genomic Medicine, NCGM
Classification: Uncertain significance for Neurodevelopmental disorder with microcephaly, seizures, and cortical atrophy. Review status: criteria provided, single submitter. Criteria: ACMG Guidelines, 2015. Collection method: clinical testing. Allele origin: germline. Inheritance: Autosomal recessive inheritance. Affected: yes.
Comment: The observed missense c.2692G>A p.Glu898Lys variant in VARS1 gene has not been reported previously as a pathogenic variant nor as a benign variant, to our knowledge. The p.Glu898Lys variant is present with allele frequency of 0.002% in gnomAD Exomes. This variant has not been submitted to the ClinVar database. Multiple lines of computational evidence Polyphen - Probably Damaging, SIFT - Damaging and MutationTaster - Disease causing predict a damaging effect on protein structure and function for this variant. The reference amino acid of p.Glu898Lys in VARS1 is predicted as conserved by GERP++ and PhyloP across 100 vertebrates. The amino acid Glu at position 898 is changed to a Lys changing protein sequence and it might alter its composition and physico-chemical properties. For these reasons, this variant has been classified as a Variant of Uncertain Significance VUS.